The following is an entry in ClinVar:

NC_000017.11:g.(?_43063333)_(43124115_?)del

Genes: BRCA1 (BRCA1 DNA repair associated; minus strand), LOC126862571 (BRD4-independent group 4 enhancer GRCh37_chr17:41243136-41244335; plus strand), LOC110485084 (BRCA1 intronic recombination region; plus strand), LOC111589216 (BRCA1 intron 2 regulatory region; plus strand). Cytogenetic location: 17q21.31.
Variant type: Deletion.
Identifiers: ClinVar variation 417595 (VCV000417595.1).

ClinVar aggregate classification (germline): Pathogenic (1 of 4 stars; one submission).

Conditions:
Hereditary breast ovarian cancer syndrome. Also called: Breast and ovarian cancer; Hereditary breast and ovarian cancer; Hereditary breast and/or ovarian cancer syndrome; BRCA1- and BRCA2-Associated Hereditary Breast and Ovarian Cancer; Hereditary breast and ovarian cancer syndrome (HBOC); Hereditary breast and ovarian cancer syndrome. Identifiers: Orphanet 145, MedGen C0677776, MeSH D061325, MONDO:0003582. Disease mechanism: loss of function.

Submission:

Labcorp Genetics (formerly Invitae), Labcorp
Classification: Pathogenic for Hereditary breast ovarian cancer syndrome. Last evaluated: 2016-11-06. Review status: criteria provided, single submitter. Criteria: Invitae Variant Classification Sherloc (09022015). Collection method: clinical testing. Allele origin: germline.
Comment: This variant is a gross deletion of the genomic region encompassing exons 2-18 of the BRCA1 gene, which includes the initiator codon. The 5' end of this event is unknown as it extends beyond the assayed region for this gene and therefore may encompass additional genes. The 3' boundary is likely confined to intron 18 of the BRCA1 gene. This is expected to result in an absent or disrupted protein product. While this particular deletion has not been reported in the literature, loss-of-function variants in BRCA1 are known to be pathogenic (PMID: 19393826, 24825132, 23479189, 21120943, 207276720). For these reasons, this variant has been classified as Pathogenic.